The following is an entry in ClinVar:

NC_000005.9:g.(178700066_178770767)_(178772463_?)dup

Gene: ADAMTS2 (ADAM metallopeptidase with thrombospondin type 1 motif 2; minus strand). Cytogenetic location: 5q35.3.
Variant type: Duplication.
Identifiers: ClinVar variation 3769144 (VCV003769144.2).

ClinVar aggregate classification (germline): Uncertain significance (1 of 4 stars; one submission).

Submission:

Women's Health and Genetics/Laboratory Corporation of America, LabCorp
Classification: Uncertain significance. Last evaluated: 2025-01-13. Review status: criteria provided, single submitter. Criteria: LabCorp Variant Classification Summary - May 2015. Collection method: clinical testing. Allele origin: germline.
Comment: Variant summary: The variant involves the duplication of exons 1-2 in the ADAMTS2 gene. A presumed nomenclature of c.(?_-134)_(534+1_535-1)dup has been designated for the purposes of this classification. The exact breakpoint at the 5' end of this variant is unknown, therefore this duplication may extend upstream of the annotated region of this gene. It is predicted to duplicate a segment including the initiation codon, therefore its impact on the encoded protein is unknown. The variant was absent in 21694 control chromosomes. The available data on variant occurrences in the general population are insufficient to allow any conclusion about variant significance. To our knowledge, no occurrence of c.(?_-134)_(534+1_535-1)dup in individuals affected with Ehlers-Danlos syndrome, dermatosparaxis type and no experimental evidence demonstrating its impact on protein function have been reported. ClinVar contains an entry for this variant (Variation ID: 2425923). Based on the evidence outlined above, the variant was classified as uncertain significance.